The following is an entry in ClinVar:

NM_006218.4(PIK3CA):c.1467G>A (p.Met489Ile)

Gene: PIK3CA (phosphatidylinositol-4,5-bisphosphate 3-kinase catalytic subunit alpha; plus strand). Cytogenetic location: 3q26.32.
Variant type: single nucleotide variant.
Coding change: c.1467G>A on transcript NM_006218.4 (MANE Select); coding-DNA position 1467, G replaced by A.
Protein change: p.Met489Ile; replaces methionine 489 with isoleucine.
Molecular consequence: missense variant.
Genome position (GRCh38, 1-based): chr3:179,210,493, G>A. VCF-style: chr3-179210493-G-A. GRCh37 (hg19) VCF-style: chr3-178928281-G-A.
Other names: short protein forms M489I.
Identifiers: ClinVar variation 3932409 (VCV003932409.1).

ClinVar aggregate classification (germline): Uncertain significance (1 of 4 stars; one submission).

Conditions:
Inborn genetic diseases. Identifiers: MedGen C0950123, MeSH D030342.

Submission:

Ambry Genetics
Classification: Uncertain significance for Inborn genetic diseases. Last evaluated: 2025-05-25. Review status: criteria provided, single submitter. Criteria: Ambry Variant Classification Scheme 2023. Collection method: clinical testing. Allele origin: germline.
Comment: The p.M489I variant (also known as c.1467G>A), located in coding exon 8 of the PIK3CA gene, results from a G to A substitution at nucleotide position 1467. The methionine at codon 489 is replaced by isoleucine, an amino acid with highly similar properties. This amino acid position is conserved. In addition, the in silico prediction for this alteration is inconclusive. Based on the available evidence, the clinical significance of this variant remains unclear.